The following is an entry in ClinVar:

ClinVar aggregate classification (germline): Uncertain significance (1 of 4 stars; one submission).

Allele frequency attached by ClinVar (database versions not stated): ExAC 0.00001; gnomAD exomes 0.00001; TOPMed 0.00001.
gnomAD v4.1: 19 of 1,613,952 alleles (0.0012%); highest among the groups gnomAD compares: Admixed American, 0.0067%; no homozygotes.

Submission:

Labcorp Genetics (formerly Invitae), Labcorp
Classification: Uncertain significance. Last evaluated: 2022-02-11. Review status: criteria provided, single submitter. Criteria: Invitae Variant Classification Sherloc (09022015). Collection method: clinical testing. Allele origin: germline.
Comment: This sequence change replaces alanine, which is neutral and non-polar, with valine, which is neutral and non-polar, at codon 1232 of the LAMC3 protein (p.Ala1232Val). This variant is present in population databases (rs746046978, gnomAD 0.003%). This variant has not been reported in the literature in individuals affected with LAMC3-related conditions. Algorithms developed to predict the effect of missense changes on protein structure and function are either unavailable or do not agree on the potential impact of this missense change (SIFT: "Deleterious"; PolyPhen-2: "Probably Damaging"; Align-GVGD: "Class C0"). In summary, the available evidence is currently insufficient to determine the role of this variant in disease. Therefore, it has been classified as a Variant of Uncertain Significance.

NM_006059.4(LAMC3):c.3695C>T (p.Ala1232Val)

Gene: LAMC3 (laminin subunit gamma 3; plus strand). Cytogenetic location: 9q34.12.
Variant type: single nucleotide variant.
Coding change: c.3695C>T on transcript NM_006059.4 (MANE Select); coding-DNA position 3695, C replaced by T.
Protein change: p.Ala1232Val; replaces alanine 1232 with valine.
Molecular consequence: missense variant.
Genome position (GRCh38, 1-based): chr9:131,077,252, C>T. VCF-style: chr9-131077252-C-T. GRCh37 (hg19) VCF-style: chr9-133952639-C-T.
Other names: short protein forms A1232V.
Identifiers: ClinVar variation 1471092 (VCV001471092.5), dbSNP rs746046978, ClinGen allele CA5287899.